The following is an entry in ClinVar:

ClinVar aggregate classification (germline): Uncertain significance (1 of 4 stars; one submission).

Conditions:
Fanconi anemia (FA). Also called: Fanconi's anemia. Identifiers: Orphanet 84, MedGen C0015625, MeSH D005199, MONDO:0019391.

Submission:

Labcorp Genetics (formerly Invitae), Labcorp
Classification: Uncertain significance for Fanconi anemia. Last evaluated: 2025-08-16. Review status: criteria provided, single submitter. Criteria: Invitae Variant Classification Sherloc (09022015). Collection method: clinical testing. Allele origin: germline.
Comment: This sequence change creates a premature translational stop signal (p.Glu1739Glyfs*39) in the SLX4 gene. While this is not anticipated to result in nonsense mediated decay, it is expected to disrupt the last 96 amino acid(s) of the SLX4 protein. This variant is not present in population databases (gnomAD no frequency). This variant has not been reported in the literature in individuals affected with SLX4-related conditions. Experimental studies and prediction algorithms are not available or were not evaluated, and the functional significance of this variant is currently unknown. In summary, the available evidence is currently insufficient to determine the role of this variant in disease. Therefore, it has been classified as a Variant of Uncertain Significance.

NM_032444.4(SLX4):c.5215dup (p.Glu1739fs)

Gene: SLX4 (SLX4 structure-specific endonuclease subunit; minus strand). Cytogenetic location: 16p13.3.
Variant type: Duplication.
Coding change: c.5215dup on transcript NM_032444.4 (MANE Select); coding-DNA position 5215, one base duplicated (G; older notation c.5215dupG).
Protein change: p.Glu1739fs; shifts the reading frame from glutamic acid 1739.
Molecular consequence: frameshift variant.
Genome position (GRCh38, 1-based): chr16:3,582,632, C duplicated on the plus strand (G on the coding strand, the reverse complement: SLX4 is on the minus strand); the first of 5 consecutive C bases (chr16:3,582,632-3,582,636); duplicating any one gives the same sequence. VCF-style (leftmost placement, unchanged base first): chr16-3582631-T-TC. GRCh37 (hg19) VCF-style: chr16-3632632-T-TC.
Other names: short protein forms E1739fs.
Identifiers: ClinVar variation 4697967 (VCV004697967.1).